The following is an entry in ClinVar:

ClinVar aggregate classification (germline): Likely pathogenic (1 of 4 stars; one submission).

Conditions:
Fabry disease. Also called: ALPHA-GALACTOSIDASE A DEFICIENCY; ANDERSON-FABRY DISEASE; CERAMIDE TRIHEXOSIDASE DEFICIENCY; GLA DEFICIENCY; HEREDITARY DYSTOPIC LIPIDOSIS; Angiokeratoma corporis diffusum. Identifiers: Orphanet 324, MedGen C0002986, MONDO:0010526, OMIM 301500, HP:0001071. Disease mechanism: Fabry disease is due to inactivating mutations in the X-linked GLA gene resulting in deficiency of the enzyme Alpha Galactosidase-A., loss of function.

Submission:

Genomenon, Inc
Classification: Likely pathogenic for Fabry disease. Last evaluated: 2026-09-08. Review status: criteria provided, single submitter. Criteria: Genomenon Sequence Variant Interpretation Standards - Updated. Collection method: curation. Allele origin: germline. Affected: yes.
Comment: GLA p.Leu275His (c.824T>A) is a missense variant that changes the amino acid at codon 275 from Leucine to Histidine. This variant has been observed in at least one proband with clinical features consistent with Fabry disease (PMID:33844184). At least one functional study has demonstrated a substantial alteration in protein function relative to the wild-type (PMID:23935525). It is absent or not present at a significant frequency in gnomAD. In silico models predict that this variant is possibly or probably damaging. In conclusion, we classify GLA p.Leu275His (c.824T>A) as a likely pathogenic variant.

Literature cited by the submitters: PubMed 33844184; PubMed 23935525.

NM_000169.3(GLA):c.824T>A (p.Leu275His)

Genes: GLA (galactosidase alpha; minus strand), RPL36A-HNRNPH2 (RPL36A-HNRNPH2 readthrough; plus strand). Cytogenetic location: Xq22.1.
Variant type: single nucleotide variant.
Coding change: c.824T>A on transcript NM_000169.3 (MANE Select); coding-DNA position 824, T replaced by A.
Protein change: p.Leu275His; replaces leucine 275 with histidine.
Molecular consequence: missense variant. On other transcripts: non-coding transcript variant (3), intron variant (2).
Genome position (GRCh38, 1-based): chrX:101,398,545, A>T on the plus strand (T>A on the coding strand, the complement: GLA is on the minus strand). VCF-style: chrX-101398545-A-T. GRCh37 (hg19) VCF-style: chrX-100653533-A-T.
Other names: c.947T>A, p.Leu316His (NM_001406747.1); c.824T>A, p.Leu275His (NM_001406748.1); c.300+3088A>T (NM_001199973.2); c.177+6723A>T (NM_001199974.2); short protein forms L275H, L316H.
Identifiers: ClinVar variation 4087534 (VCV004087534.2), dbSNP rs869312431.